The following is an entry in ClinVar:

NM_000130.5(F5):c.3511A>C (p.Ser1171Arg)

Gene: F5 (coagulation factor V; minus strand). Cytogenetic location: 1q24.2.
Variant type: single nucleotide variant.
Coding change: c.3511A>C on transcript NM_000130.5 (MANE Select); coding-DNA position 3511, A replaced by C.
Protein change: p.Ser1171Arg; replaces serine 1171 with arginine.
Molecular consequence: missense variant.
Genome position (GRCh38, 1-based): chr1:169,541,579, T>G on the plus strand (A>C on the coding strand, the complement: F5 is on the minus strand). VCF-style: chr1-169541579-T-G. GRCh37 (hg19) VCF-style: chr1-169510817-T-G.
Other names: short protein forms S1171R.
Identifiers: ClinVar variation 1732165 (VCV001732165.2), dbSNP rs2526391884, ClinGen allele CA343148838.

ClinVar aggregate classification (germline): Uncertain significance (1 of 4 stars; one submission).

Conditions:
Inborn genetic diseases. Identifiers: MedGen C0950123, MeSH D030342.

Allele frequency attached by ClinVar (database versions not stated): gnomAD exomes below 0.00001.
gnomAD v4.1: 1 of 1,614,130 alleles (0.000062%); highest among the groups gnomAD compares: Non-Finnish European, 0.000085%; no homozygotes.

Submission:

Ambry Genetics
Classification: Uncertain significance for Inborn genetic diseases. Last evaluated: 2022-07-03. Review status: criteria provided, single submitter. Criteria: Ambry Variant Classification Scheme 2023. Collection method: clinical testing. Allele origin: germline.
Comment: The p.S1171R variant (also known as c.3511A>C), located in coding exon 13 of the F5 gene, results from an A to C substitution at nucleotide position 3511. The serine at codon 1171 is replaced by arginine, an amino acid with dissimilar properties. This amino acid position is conserved. In addition, this alteration is predicted to be tolerated by in silico analysis. Since supporting evidence is limited at this time, the clinical significance of this alteration remains unclear.